The following is an entry in ClinVar:

NM_032608.7(MYO18B):c.7457C>T (p.Ser2486Leu)

Gene: MYO18B (myosin XVIIIB; plus strand). Cytogenetic location: 22q12.1.
Variant type: single nucleotide variant.
Coding change: c.7457C>T on transcript NM_032608.7 (MANE Select); coding-DNA position 7457, C replaced by T.
Protein change: p.Ser2486Leu; replaces serine 2486 with leucine.
Molecular consequence: missense variant.
Genome position (GRCh38, 1-based): chr22:26,027,431, C>T. VCF-style: chr22-26027431-C-T. GRCh37 (hg19) VCF-style: chr22-26423397-C-T.
Other names: c.7460C>T, p.Ser2487Leu (NM_001318245.2); c.7457C>T (NM_032608.5); short protein forms S2486L, S2487L.
Identifiers: ClinVar variation 1934145 (VCV001934145.3), dbSNP rs202052336, ClinGen allele CA10161782.

ClinVar aggregate classification (germline): Uncertain significance. Review status: criteria provided, multiple submitters, no conflicts (2 of 4 stars). 2 submissions from 2 submitters: Uncertain significance (2). Last evaluated 2025-06-09.

Conditions:
Inborn genetic diseases. Identifiers: MedGen C0950123, MeSH D030342.

Allele frequency attached by ClinVar (database versions not stated): gnomAD 0.00002; TOPMed 0.00001; gnomAD exomes 0.00002; ExAC 0.00001.
gnomAD v4.1: 36 of 1,613,796 alleles (0.0022%); highest among the groups gnomAD compares: East Asian, 0.029%; no homozygotes.

Submissions (2):

Ambry Genetics
Classification: Uncertain significance for Inborn genetic diseases. Last evaluated: 2025-06-09. Review status: criteria provided, single submitter. Criteria: Ambry Variant Classification Scheme 2023. Collection method: clinical testing. Allele origin: germline.

Labcorp Genetics (formerly Invitae), Labcorp
Classification: Uncertain significance. Last evaluated: 2022-07-28. Review status: criteria provided, single submitter. Criteria: Invitae Variant Classification Sherloc (09022015). Collection method: clinical testing. Allele origin: germline.
Comment: This sequence change replaces serine, which is neutral and polar, with leucine, which is neutral and non-polar, at codon 2486 of the MYO18B protein (p.Ser2486Leu). This variant is present in population databases (rs202052336, gnomAD 0.02%). This variant has not been reported in the literature in individuals affected with MYO18B-related conditions. Algorithms developed to predict the effect of missense changes on protein structure and function are either unavailable or do not agree on the potential impact of this missense change (SIFT: "Not Available"; PolyPhen-2: "Benign"; Align-GVGD: "Not Available"). In summary, the available evidence is currently insufficient to determine the role of this variant in disease. Therefore, it has been classified as a Variant of Uncertain Significance.